The following is an entry in ClinVar:

NM_002485.5(NBN):c.1291C>G (p.Leu431Val)

Gene: NBN (nibrin; minus strand). Cytogenetic location: 8q21.3.
Variant type: single nucleotide variant.
Coding change: c.1291C>G on transcript NM_002485.5 (MANE Select); coding-DNA position 1291, C replaced by G.
Protein change: p.Leu431Val; replaces leucine 431 with valine.
Molecular consequence: missense variant.
Genome position (GRCh38, 1-based): chr8:89,955,389, G>C on the plus strand (C>G on the coding strand, the complement: NBN is on the minus strand). VCF-style: chr8-89955389-G-C. GRCh37 (hg19) VCF-style: chr8-90967617-G-C.
Other names: c.1045C>G, p.Leu349Val (NM_001024688.3); short protein forms L431V, L349V.
Identifiers: ClinVar variation 818821 (VCV000818821.4), dbSNP rs1586058701, ClinGen allele CA371656180.

ClinVar aggregate classification (germline): Uncertain significance (1 of 4 stars; one submission).

Conditions:
Hereditary cancer-predisposing syndrome. Also called: Tumor predisposition; Hereditary neoplastic syndrome; Neoplastic Syndromes, Hereditary; Hereditary Cancer Syndrome. Identifiers: Orphanet 140162, MedGen C0027672, MeSH D009386, MONDO:0015356.

Submission:

Ambry Genetics
Classification: Uncertain significance for Hereditary cancer-predisposing syndrome. Last evaluated: 2019-12-24. Review status: criteria provided, single submitter. Criteria: Ambry Variant Classification Scheme 2023. Collection method: clinical testing. Allele origin: germline.
Comment: The p.L431V variant (also known as c.1291C>G), located in coding exon 10 of the NBN gene, results from a C to G substitution at nucleotide position 1291. The leucine at codon 431 is replaced by valine, an amino acid with highly similar properties. This amino acid position is highly conserved in available vertebrate species. In addition, this alteration is predicted to be tolerated by in silico analysis. Since supporting evidence is limited at this time, the clinical significance of this alteration remains unclear.